The following is an entry in ClinVar:

NM_000548.5(TSC2):c.3815-4G>T

Gene: TSC2 (TSC complex subunit 2; plus strand). Cytogenetic location: 16p13.3.
Variant type: single nucleotide variant.
Coding change: c.3815-4G>T on transcript NM_000548.5 (MANE Select); 4 bases into the intron before coding-DNA position 3815, G replaced by T.
Molecular consequence: intron variant.
Genome position (GRCh38, 1-based): chr16:2,082,432, G>T. VCF-style: chr16-2082432-G-T. GRCh37 (hg19) VCF-style: chr16-2132433-G-T.
Other names: c.3814+634G>T (NM_001114382.3); c.3686-4G>T (NM_021055.3, NM_001370405.1); c.3685+634G>T (NM_001363528.2); c.3683-4G>T (NM_001370404.1); c.3682+634G>T (NM_001077183.3); c.3574+634G>T (NM_001318827.2); c.3083-4G>T (NM_001318831.2); c.3538+634G>T (NM_001318829.2); and 1 more.
Identifiers: ClinVar variation 753155 (VCV000753155.11), dbSNP rs1410163756, ClinGen allele CA620378670.

ClinVar aggregate classification (germline): Conflicting classifications of pathogenicity. Review status: criteria provided, conflicting classifications (1 of 4 stars). 3 submissions from 3 submitters: Uncertain significance (1); Likely benign (2). Last evaluated 2025-07-30.

Conditions:
Tuberous sclerosis 2 (TSC2). Identifiers: Orphanet 805, MedGen C1860707, MONDO:0013199, OMIM 613254.

Allele frequency attached by ClinVar (database versions not stated): TOPMed below 0.00001; gnomAD 0.00001.
gnomAD v4.1: 1 of 1,612,424 alleles (0.000062%); highest among the groups gnomAD compares: African/African-American, 0.0013%; no homozygotes.

Submissions (3):

Labcorp Genetics (formerly Invitae), Labcorp
Classification: Likely benign for Tuberous sclerosis 2. Last evaluated: 2025-07-30. Review status: criteria provided, single submitter. Criteria: Invitae Variant Classification Sherloc (09022015). Collection method: clinical testing. Allele origin: germline.

Myriad Genetics, Inc.
Classification: Likely benign for Tuberous sclerosis 2. Last evaluated: 2025-05-30. Review status: criteria provided, single submitter. Criteria: Myriad Autosomal Dominant, Autosomal Recessive and X-Linked Classification Criteria (2023). Collection method: clinical testing. Allele origin: unknown.
Comment: This variant is considered likely benign. This variant is intronic and is not expected to impact mRNA splicing.

GeneDx
Classification: Uncertain significance. Last evaluated: 2023-05-16. Review status: criteria provided, single submitter. Criteria: GeneDx Variant Classification Process June 2021. Collection method: clinical testing. Allele origin: germline. Affected: yes.
Comment: In silico analysis supports that this variant does not alter splicing; Has not been previously published as pathogenic or benign to our knowledge; Also known as IVS30-4G>T